The following is an entry in ClinVar:

NM_025137.4(SPG11):c.959A>G (p.Asn320Ser)

Gene: SPG11 (SPG11 vesicle trafficking associated, spatacsin; minus strand). Cytogenetic location: 15q21.1.
Variant type: single nucleotide variant.
Coding change: c.959A>G on transcript NM_025137.4 (MANE Select); coding-DNA position 959, A replaced by G.
Protein change: p.Asn320Ser; replaces asparagine 320 with serine.
Molecular consequence: missense variant.
Genome position (GRCh38, 1-based): chr15:44,652,177, T>C on the plus strand (A>G on the coding strand, the complement: SPG11 is on the minus strand). VCF-style: chr15-44652177-T-C. GRCh37 (hg19) VCF-style: chr15-44944375-T-C.
Other names: c.959A>G, p.Asn320Ser (NM_001160227.2); short protein forms N320S.
Identifiers: ClinVar variation 1356211 (VCV001356211.6), dbSNP rs2084802198, ClinGen allele CA392236916.

ClinVar aggregate classification (germline): Uncertain significance (1 of 4 stars; one submission).

Conditions:
Hereditary spastic paraplegia 11. Also called: SPASTIC PARAPLEGIA, AUTOSOMAL RECESSIVE, COMPLICATED, WITH THIN CORPUS CALLOSUM; SPASTIC PARAPLEGIA, AUTOSOMAL RECESSIVE, WITH MENTAL IMPAIRMENT AND THIN CORPUS CALLOSUM; Spastic Paraplegia 11; Nakamura Osame syndrome; Autosomal recessive hereditary spastic paraplegia, mental impairment, and thin corpus callosum; Spastic paraplegia, mental retardation and thin corpus callosum. Identifiers: Orphanet 2822, MedGen C1858479, MONDO:0011445, OMIM 604360.

gnomAD v4.1: 2 of 1,614,056 alleles (0.00012%); highest among the groups gnomAD compares: South Asian, 0.0011%; no homozygotes.

Submission:

Labcorp Genetics (formerly Invitae), Labcorp
Classification: Uncertain significance for Hereditary spastic paraplegia 11. Last evaluated: 2023-07-07. Review status: criteria provided, single submitter. Criteria: Invitae Variant Classification Sherloc (09022015). Collection method: clinical testing. Allele origin: germline.
Comment: In summary, the available evidence is currently insufficient to determine the role of this variant in disease. Therefore, it has been classified as a Variant of Uncertain Significance. Advanced modeling of protein sequence and biophysical properties (such as structural, functional, and spatial information, amino acid conservation, physicochemical variation, residue mobility, and thermodynamic stability) performed at Invitae indicates that this missense variant is not expected to disrupt SPG11 protein function. ClinVar contains an entry for this variant (Variation ID: 1356211). This variant has not been reported in the literature in individuals affected with SPG11-related conditions. This variant is not present in population databases (gnomAD no frequency). This sequence change replaces asparagine, which is neutral and polar, with serine, which is neutral and polar, at codon 320 of the SPG11 protein (p.Asn320Ser).